The following is an entry in ClinVar:

NM_014915.3(ANKRD26):c.4707G>T (p.Leu1569Phe)

Gene: ANKRD26 (ankyrin repeat domain containing 26; minus strand). Cytogenetic location: 10p12.1.
Variant type: single nucleotide variant.
Coding change: c.4707G>T on transcript NM_014915.3 (MANE Select); coding-DNA position 4707, G replaced by T.
Protein change: p.Leu1569Phe; replaces leucine 1569 with phenylalanine.
Molecular consequence: missense variant.
Genome position (GRCh38, 1-based): chr10:27,014,511, C>A on the plus strand (G>T on the coding strand, the complement: ANKRD26 is on the minus strand). VCF-style: chr10-27014511-C-A. GRCh37 (hg19) VCF-style: chr10-27303440-C-A.
Other names: c.4704G>T, p.Leu1568Phe (NM_001256053.2); short protein forms L1568F, L1569F.
Identifiers: ClinVar variation 3870360 (VCV003870360.1).
Genomic context (GRCh38, chr10:27,014,511, plus strand): 5'-AATGAGCTTAATTTATTTCCTATGATTCTATATTTTGACTTACTTGGTTAGTTTACTTGA[C>A]AAAGATTTTCTAACTTTTAATTCTTCTAGATAGAGTTGCTTATATTTTTCCAGTTCGGTT-3'
Protein context (NP_055730.2, residues 1559-1579): YLEELKVRKS[Leu1569Phe]SSKLTKTNER

ClinVar aggregate classification (germline): Uncertain significance (1 of 4 stars; one submission).

Conditions:
Inborn genetic diseases. Identifiers: MedGen C0950123, MeSH D030342.

Submission:

Ambry Genetics
Classification: Uncertain significance for Inborn genetic diseases. Last evaluated: 2025-01-13. Review status: criteria provided, single submitter. Criteria: Ambry Variant Classification Scheme 2023. Collection method: clinical testing. Allele origin: germline.
Comment: The p.L1569F variant (also known as c.4707G>T), located in coding exon 31 of the ANKRD26 gene, results from a G to T substitution at nucleotide position 4707. The leucine at codon 1569 is replaced by phenylalanine, an amino acid with highly similar properties. This amino acid position is conserved. In addition, this alteration is predicted to be tolerated by in silico analysis. Based on the available evidence, the clinical significance of this variant remains unclear.